The following is an entry in ClinVar:

ClinVar aggregate classification (germline): Likely benign. Review status: criteria provided, multiple submitters, no conflicts (2 of 4 stars). 2 submissions from 2 submitters: Likely benign (2). Last evaluated 2026-01-01.

Conditions:
NUP205-related disorder. Also called: NUP205-related condition.

gnomAD v4.1: 17 of 1,614,050 alleles (0.0011%); highest among the groups gnomAD compares: African/African-American, 0.021%; no homozygotes.

Submissions (2):

CeGaT Center for Human Genetics Tuebingen
Classification: Likely benign. Last evaluated: 2026-01-01. Review status: criteria provided, single submitter. Criteria: CeGaT Center For Human Genetics Tuebingen Variant Classification Criteria Version 2. Collection method: clinical testing. Allele origin: germline. Affected: yes. Observed: 1 variant allele.
Comment: NUP205: BP4, BP7

PreventionGenetics, part of Exact Sciences
Classification: Likely benign for NUP205-related condition. Last evaluated: 2025-03-24. Review status: criteria provided, single submitter. Criteria: ACMG Guidelines, 2015. Collection method: clinical testing. Allele origin: germline.
Comment: This variant is classified as likely benign based on ACMG/AMP sequence variant interpretation guidelines (Richards et al. 2015 PMID: 25741868, with internal and published modifications).

NM_015135.3(NUP205):c.1569G>A (p.Gly523=)

Gene: NUP205 (nucleoporin 205; plus strand). Cytogenetic location: 7q33.
Variant type: single nucleotide variant.
Coding change: c.1569G>A on transcript NM_015135.3 (MANE Select); coding-DNA position 1569, G replaced by A.
Protein change: p.Gly523=; no amino-acid change (glycine 523 retained).
Molecular consequence: synonymous variant.
Genome position (GRCh38, 1-based): chr7:135,591,545, G>A. VCF-style: chr7-135591545-G-A. GRCh37 (hg19) VCF-style: chr7-135276293-G-A.
Other names: c.495G>A, p.Gly165= (NM_001329434.2); c.1569G>A (NM_015135.2).
Identifiers: ClinVar variation 4822553 (VCV004822553.5).